The following is an entry in ClinVar:

NM_001367624.2(ZNF469):c.4745G>T (p.Arg1582Leu)

Gene: ZNF469 (zinc finger protein 469; plus strand). Cytogenetic location: 16q24.2.
Variant type: single nucleotide variant.
Coding change: c.4745G>T on transcript NM_001367624.2 (MANE Select); coding-DNA position 4745, G replaced by T.
Protein change: p.Arg1582Leu; replaces arginine 1582 with leucine.
Molecular consequence: missense variant.
Genome position (GRCh38, 1-based): chr16:88,432,215, G>T. VCF-style: chr16-88432215-G-T. GRCh37 (hg19) VCF-style: chr16-88498623-G-T.
Other names: NM_001127464.1:c.4661G>T; short protein forms R1582L.
Identifiers: ClinVar variation 1742259 (VCV001742259.2), dbSNP rs758312819, ClinGen allele CA397093275.

ClinVar aggregate classification (germline): Uncertain significance (1 of 4 stars; one submission).

Conditions:
Cardiovascular phenotype. Identifiers: MedGen CN230736.

Submission:

Ambry Genetics
Classification: Uncertain significance for Cardiovascular phenotype. Last evaluated: 2021-07-07. Review status: criteria provided, single submitter. Criteria: Ambry Variant Classification Scheme 2023. Collection method: clinical testing. Allele origin: germline.
Comment: The p.R1554L variant (also known as c.4661G>T), located in coding exon 2 of the ZNF469 gene, results from a G to T substitution at nucleotide position 4661. The arginine at codon 1554 is replaced by leucine, an amino acid with dissimilar properties. This amino acid position is conserved. In addition, this alteration is predicted to be tolerated by in silico analysis. Since supporting evidence is limited at this time, the clinical significance of this alteration remains unclear.